The following is an entry in ClinVar:

NM_000124.4(ERCC6):c.2683C>T (p.Gln895Ter)

Gene: ERCC6 (ERCC excision repair 6, chromatin remodeling factor; minus strand). Cytogenetic location: 10q11.23.
Variant type: single nucleotide variant.
Coding change: c.2683C>T on transcript NM_000124.4 (MANE Select); coding-DNA position 2683, C replaced by T.
Protein change: p.Gln895Ter; replaces glutamine 895 with a stop codon.
Molecular consequence: nonsense.
Genome position (GRCh38, 1-based): chr10:49,473,503, G>A on the plus strand (C>T on the coding strand, the complement: ERCC6 is on the minus strand). VCF-style: chr10-49473503-G-A. GRCh37 (hg19) VCF-style: chr10-50681549-G-A.
Other names: c.2683C>T, p.Gln895Ter (NM_001346440.2); short protein forms Q895*.
Identifiers: ClinVar variation 3595280 (VCV003595280.2).
Genomic context (GRCh38, chr10:49,473,503, plus strand): 5'-ACCACTCAACTTCCCTGTTACATTCACATGTTACCTCATTGTATCTCGTAATCAGTGGCT[G>A]TCTTGAAGCTATTGTAGTGGTACCATCCATCTTGAGATAGGTATACTTTTGGGCTCTAAG-3'

ClinVar aggregate classification (germline): Pathogenic/Likely pathogenic. Review status: criteria provided, multiple submitters, no conflicts (2 of 4 stars). 2 submissions from 2 submitters: Pathogenic (1); Likely pathogenic (1). Last evaluated 2024-12-22.

Conditions:
Cockayne spectrum with or without cerebrooculofacioskeletal syndrome. Identifiers: MedGen CN315928, MONDO:0100506.
Premature ovarian failure 11 (POF11). Identifiers: MedGen C4310783, MONDO:0014843, OMIM 616946.
Age related macular degeneration 5. Identifiers: MedGen C3151063, MONDO:0013409, OMIM 613761.
UV-sensitive syndrome 1 (UVSS1). Identifiers: Orphanet 178338, MedGen C3551173, MONDO:0010909, OMIM 600630.
Cerebrooculofacioskeletal syndrome 1 (COFS1). Also called: Cerebro-oculo-facio-skeletal syndrome 1. Identifiers: MedGen C0220722, MONDO:0008955, OMIM 214150.
DE SANCTIS-CACCHIONE SYNDROME. Identifiers: MedGen C0265201, MONDO:0010217, OMIM 278800.
Lung cancer. Also called: Lung cancer, somatic; Malignant tumor of lung. Identifiers: MedGen C0242379, MONDO:0008903, OMIM 211980.
Cockayne syndrome type 2 (CSB). Also called: Cockayne Syndrome, Type II; COCKAYNE SYNDROME B. Identifiers: Orphanet 191, Orphanet 90322, MedGen C0751038, MONDO:0019570, OMIM 133540.

Submissions (2):

Myriad Genetics, Inc.
Classification: Pathogenic for Cockayne spectrum with or without cerebrooculofacioskeletal syndrome. Last evaluated: 2024-12-22. Review status: criteria provided, single submitter. Criteria: Myriad Autosomal Dominant, Autosomal Recessive and X-Linked Classification Criteria (2023). Collection method: clinical testing. Allele origin: unknown.
Comment: NM_000124.2(ERCC6):c.2683C>T(Q895*) is expected to be pathogenic in the context of ERCC6-related disorders. This variant is predicted to lead to an abnormal or absent protein product due to the creation of a premature termination codon in ERCC6, a gene where loss-of-function variants are known to be pathogenic. Please note: this variant was assessed in the context of healthy population screening.

Fulgent Genetics
Classification: Likely pathogenic for Cockayne syndrome type 2; Lung cancer; Cerebrooculofacioskeletal syndrome 1; DE SANCTIS-CACCHIONE SYNDROME; UV-sensitive syndrome 1; Age related macular degeneration 5; Premature ovarian failure 11. Last evaluated: 2024-03-01. Review status: criteria provided, single submitter. Criteria: ACMG Guidelines, 2015. Collection method: clinical testing. Allele origin: germline.